The following is an entry in ClinVar:

NM_003108.4(SOX11):c.647C>T (p.Thr216Met)

Gene: SOX11 (SRY-box transcription factor 11; plus strand). Cytogenetic location: 2p25.2.
Variant type: single nucleotide variant.
Coding change: c.647C>T on transcript NM_003108.4 (MANE Select); coding-DNA position 647, C replaced by T.
Protein change: p.Thr216Met; replaces threonine 216 with methionine.
Molecular consequence: missense variant.
Genome position (GRCh38, 1-based): chr2:5,693,368, C>T. VCF-style: chr2-5693368-C-T. GRCh37 (hg19) VCF-style: chr2-5833500-C-T.
Other names: short protein forms T216M.
Identifiers: ClinVar variation 3251950 (VCV003251950.1), dbSNP rs1373555541.

ClinVar aggregate classification (germline): Uncertain significance (1 of 4 stars; one submission).

Conditions:
Hypogonadotropic hypogonadism. Also called: Hypogonadotrophic hypogonadism; Isolated hypogonadotropic hypogonadism; Hypogonadotropic hypogonadism with or without anosmia; Low gonadotropins (secondary hypogonadism). Identifiers: Orphanet 432, MedGen C0271623, MONDO:0018555, HP:0000044.

Allele frequency attached by ClinVar (database versions not stated): gnomAD exomes 0.00001.

Submission:

Reproductive Endocrine Unit, Massachusetts General Hospital
Classification: Uncertain significance for HYPOGONADOTROPIC HYPOGONADISM. Last evaluated: 2024-06-25. Review status: criteria provided, single submitter. Criteria: ACMG Guidelines, 2015. Collection method: research. Allele origin: unknown. Affected: yes.
Comment: PM2,PP2,BP4